The following is an entry in ClinVar:

ClinVar aggregate classification (germline): Uncertain significance (1 of 4 stars; one submission).

Submission:

CeGaT Center for Human Genetics Tuebingen
Classification: Uncertain significance. Last evaluated: 2024-01-01. Review status: criteria provided, single submitter. Criteria: CeGaT Center For Human Genetics Tuebingen Variant Classification Criteria Version 2. Collection method: clinical testing. Allele origin: germline. Affected: yes. Observed: 1 variant allele.
Comment: CRYAB: PM2

NM_001289808.2(CRYAB):c.495G>C (p.Glu165Asp)

Gene: CRYAB (crystallin alpha B; minus strand). Cytogenetic location: 11q23.1.
Variant type: single nucleotide variant.
Coding change: c.495G>C on transcript NM_001289808.2 (MANE Select); coding-DNA position 495, G replaced by C.
Protein change: p.Glu165Asp; replaces glutamic acid 165 with aspartic acid.
Molecular consequence: missense variant.
Genome position (GRCh38, 1-based): chr11:111,908,797, C>G on the plus strand (G>C on the coding strand, the complement: CRYAB is on the minus strand). VCF-style: chr11-111908797-C-G. GRCh37 (hg19) VCF-style: chr11-111779521-C-G.
Other names: c.495G>C, p.Glu165Asp (NM_001289807.1, NM_001368245.1, NM_001885.3); c.294G>C, p.Glu98Asp (NM_001330379.1, NM_001368246.1); short protein forms E165D, E98D.
Identifiers: ClinVar variation 3026280 (VCV003026280.22), dbSNP rs781923307, ClinGen allele CA382595518.